The following is an entry in ClinVar:

ClinVar aggregate classification (germline): Uncertain significance (1 of 4 stars; one submission).

Allele frequency attached by ClinVar (database versions not stated): gnomAD exomes below 0.00001.
gnomAD v4.1: 2 of 1,599,884 alleles (0.00013%); highest among the groups gnomAD compares: South Asian, 0.0011%; no homozygotes.

Submission:

Ambry Genetics
Classification: Uncertain significance. Last evaluated: 2023-02-12. Review status: criteria provided, single submitter. Criteria: Ambry Variant Classification Scheme 2023. Collection method: clinical testing. Allele origin: germline.
Comment: The p.E57Q variant (also known as c.169G>C), located in coding exon 3 of the NEBL gene, results from a G to C substitution at nucleotide position 169. The glutamic acid at codon 57 is replaced by glutamine, an amino acid with highly similar properties. This amino acid position is conserved. In addition, this alteration is predicted to be tolerated by in silico analysis. Since supporting evidence is limited at this time, the clinical significance of this alteration remains unclear.

NM_006393.3(NEBL):c.169G>C (p.Glu57Gln)

Gene: NEBL (nebulette; minus strand). Cytogenetic location: 10p12.31.
Variant type: single nucleotide variant.
Coding change: c.169G>C on transcript NM_006393.3 (MANE Select); coding-DNA position 169, G replaced by C.
Protein change: p.Glu57Gln; replaces glutamic acid 57 with glutamine.
Molecular consequence: missense variant. On other transcripts: intron variant (9).
Genome position (GRCh38, 1-based): chr10:20,889,934, C>G on the plus strand (G>C on the coding strand, the complement: NEBL is on the minus strand). VCF-style: chr10-20889934-C-G. GRCh37 (hg19) VCF-style: chr10-21178863-C-G.
Other names: c.249+71738G>C (NM_001377326.1, NM_001377327.1, NM_001377328.1); c.357+71738G>C (NM_213569.2, NM_001173484.2, NM_001377322.1); c.300+71738G>C (NM_001377324.1); c.291+71738G>C (NM_001377325.1); c.309+71738G>C (NM_001377323.1); short protein forms E57Q.
Identifiers: ClinVar variation 2497145 (VCV002497145.2), dbSNP rs2492569182, ClinGen allele CA376096804.